The following is an entry in ClinVar:

ClinVar aggregate classification (germline): Benign/Likely benign. Review status: criteria provided, multiple submitters, no conflicts (2 of 4 stars). 7 submissions from 6 submitters: Benign (4); Likely benign (2). 1 of the submissions does not count toward it. Last evaluated 2026-01-24.

Conditions:
COL4A1-related disorder. Also called: COL4A1-related condition; COL4A1-related disorders. Identifiers: MedGen CN376119, MONDO:0800461.
Brain small vessel disease 1 with or without ocular anomalies (BSVD1). Also called: BRAIN SMALL VESSEL DISEASE WITH HEMORRHAGE; GOULD SYNDROME 1; PORENCEPHALY, TYPE 1, AUTOSOMAL DOMINANT; Brain small vessel disease with or without ocular anomalies. Identifiers: Orphanet 2940, Orphanet 36383, Orphanet 99810, MedGen C4755307, MONDO:0008289, OMIM 175780.
Autosomal dominant familial hematuria-retinal arteriolar tortuosity-contractures syndrome. Also called: Angiopathy, hereditary, with nephropathy, aneurysms, and muscle cramps; Hereditary Angiopathy with Nephropathy, Aneurysms, and Muscle Cramps (HANAC) Syndrome. Identifiers: Orphanet 73229, MedGen C2673195, MONDO:0012726, OMIM 611773.

Allele frequency attached by ClinVar (database versions not stated): TOPMed 0.00019; gnomAD 0.00079 and 0.00001; gnomAD exomes 0.00136 and 0.00281; ExAC 0.00300; 1000 Genomes Project 30x 0.00609; 1000 Genomes Project 0.00699.
gnomAD v4.1: 2,106 of 1,613,974 alleles (0.13%); highest among the groups gnomAD compares: South Asian, 2.1%; 45 homozygotes.

Submissions (7):

Labcorp Genetics (formerly Invitae), Labcorp
Classification: Benign. Last evaluated: 2026-01-24. Review status: criteria provided, single submitter. Criteria: Invitae Variant Classification Sherloc (09022015). Collection method: clinical testing. Allele origin: germline.

Mayo Clinic Laboratories, Mayo Clinic
Classification: Benign. Last evaluated: 2025-01-07. Review status: criteria provided, single submitter. Criteria: ACMG Guidelines, 2015. Collection method: clinical testing. Allele origin: germline. Observed: 1 variant allele.
Comment: BA1, BS2

GeneDx
Classification: Likely benign. Last evaluated: 2021-05-05. Review status: criteria provided, single submitter. Criteria: GeneDx Variant Classification Process June 2021. Collection method: clinical testing. Allele origin: germline. Affected: yes.

Illumina Laboratory Services, Illumina
Classification: Benign for Brain small vessel disease 1 with or without ocular anomalies. Last evaluated: 2018-01-12. Review status: criteria provided, single submitter. Criteria: ICSL Variant Classification Criteria 13 December 2019. Collection method: clinical testing. Allele origin: germline.
Comment: This variant was observed in the ICSL laboratory as part of a predisposition screen in an ostensibly healthy population. It had not been previously curated by ICSL or reported in the Human Gene Mutation Database (HGMD: prior to June 1st, 2018), and was therefore a candidate for classification through an automated scoring system. Utilizing variant allele frequency, disease prevalence and penetrance estimates, and inheritance mode, an automated score was calculated to assess if this variant is too frequent to cause the disease. Based on the score and internal cut-off values, a variant classified as benign is not then subjected to further curation. The score for this variant resulted in a classification of benign for this disease.

Illumina Laboratory Services, Illumina
Classification: Benign for Autosomal dominant familial hematuria-retinal arteriolar tortuosity-contractures syndrome. Last evaluated: 2018-01-12. Review status: criteria provided, single submitter. Criteria: ICSL Variant Classification Criteria 13 December 2019. Collection method: clinical testing. Allele origin: germline.
Comment: the same text as in the submission from Illumina Laboratory Services, Illumina above.

Breakthrough Genomics
Classification: Likely benign. Review status: criteria provided, single submitter. Criteria: ACMG Guidelines, 2015. Collection method: not provided. Allele origin: germline. Inheritance: Autosomal dominant inheritance. Affected: yes.

PreventionGenetics, part of Exact Sciences
Classification: Benign for COL4A1-related condition. Last evaluated: 2019-05-13. Review status: no assertion criteria provided. Collection method: clinical testing. Allele origin: germline. Not counted in ClinVar's aggregate classification.
Comment: This variant is classified as benign based on ACMG/AMP sequence variant interpretation guidelines (Richards et al. 2015 PMID: 25741868, with internal and published modifications).

NM_001845.6(COL4A1):c.1673C>T (p.Ala558Val)

Gene: COL4A1 (collagen type IV alpha 1 chain; minus strand). Cytogenetic location: 13q34.
Variant type: single nucleotide variant.
Coding change: c.1673C>T on transcript NM_001845.6 (MANE Select); coding-DNA position 1673, C replaced by T.
Protein change: p.Ala558Val; replaces alanine 558 with valine.
Molecular consequence: missense variant.
Genome position (GRCh38, 1-based): chr13:110,187,193, G>A on the plus strand (C>T on the coding strand, the complement: COL4A1 is on the minus strand). VCF-style: chr13-110187193-G-A. GRCh37 (hg19) VCF-style: chr13-110839540-G-A.
Other names: p.Ala558Val; short protein forms A558V.
Identifiers: ClinVar variation 311062 (VCV000311062.23), dbSNP rs200252122, ClinGen allele CA7047860.